The following is an entry in ClinVar:

ClinVar aggregate classification (germline): Uncertain significance (1 of 4 stars; one submission).

Conditions:
Hereditary cancer-predisposing syndrome. Also called: Tumor predisposition; Hereditary Cancer Syndrome; Neoplastic Syndromes, Hereditary; Hereditary neoplastic syndrome. Identifiers: Orphanet 140162, MedGen C0027672, MeSH D009386, MONDO:0015356.

gnomAD v4.1: 1 of 1,613,766 alleles (0.000062%); highest among the groups gnomAD compares: African/African-American, 0.0013%; no homozygotes.

Submission:

Color Diagnostics, LLC DBA Color Health
Classification: Uncertain significance for Hereditary cancer-predisposing syndrome. Last evaluated: 2025-04-28. Review status: criteria provided, single submitter. Criteria: ACMG Guidelines, 2015. Collection method: clinical testing. Allele origin: germline.
Comment: This missense variant replaces valine with alanine at codon 2815 of the BRCA2 protein. Computational prediction is inconclusive regarding the impact of this variant on protein structure and function. Functional assays have reported that this variant does not impact BRCA2 function in a haploid cell proliferation assay (PMID: 39779857) and in the rescue of cisplatin and PARPi sensitivity in Brca2-deficient mouse embryonic stem cells (PMID: 39779848). To our knowledge, this variant has not been reported in individuals affected with BRCA2-related disorders in the literature. This variant has not been identified in the general population by the Genome Aggregation Database (gnomAD). Although there is a suspicion that this variant may not be associated with disease, additional clinical studies are necessary to determine the role of this variant in disease conclusively. Therefore, this variant is classified as a Variant of Uncertain Significance.

Literature cited by the submitters: PubMed 39779848; PubMed 39779857.

NM_000059.4(BRCA2):c.8444T>C (p.Val2815Ala)

Gene: BRCA2 (BRCA2 DNA repair associated; plus strand). Cytogenetic location: 13q13.1.
Variant type: single nucleotide variant.
Coding change: c.8444T>C on transcript NM_000059.4 (MANE Select); coding-DNA position 8444, T replaced by C.
Protein change: p.Val2815Ala; replaces valine 2815 with alanine.
Molecular consequence: missense variant. On other transcripts: non-coding transcript variant (1).
Genome position (GRCh38, 1-based): chr13:32,370,514, T>C. VCF-style: chr13-32370514-T-C. GRCh37 (hg19) VCF-style: chr13-32944651-T-C.
Other names: c.8348T>C, p.Val2783Ala (NM_001406719.1); c.8444T>C, p.Val2815Ala (NM_001406720.1, NM_001432077.1); c.3512T>C, p.Val1171Ala (NM_001406721.1); c.2027T>C, p.Val676Ala (NM_001406722.1); short protein forms V1171A, V2783A, V2815A, V676A.
Identifiers: ClinVar variation 4756632 (VCV004756632.1).